The following is an entry in ClinVar:

ClinVar aggregate classification (germline): Pathogenic (0 of 4 stars; one submission).

Conditions:
Seizures, benign familial neonatal, 1. Also called: KCNQ2-Related Benign Familial Neonatal Epilepsy; Benign Neonatal Epilepsy 1; KCNQ2-Related Self-Limited Familial Neonatal Epilepsy (SLFNE); Seizures, benign neonatal, 1. Identifiers: Orphanet 1949, MedGen C3149074, MONDO:0007365, OMIM 121200.

Submission:

GeneReviews
Classification: Pathogenic for Seizures, benign familial neonatal, 1. Last evaluated: 2016-03-31. Review status: no assertion criteria provided. Collection method: literature only. Allele origin: germline. Affected: yes.
Comment: BFNE (benign familial neonatal epilepsy)

Functional effect: Slight rightward shift in current voltage-dependence; reduction in current amplitude in heteromeric channels; decrease in current activation kinetics

Literature cited by the submitters: PubMed 19559753.

NM_172107.4(KCNQ2):c.1228CCG[1] (p.Pro411del)

Gene: KCNQ2 (potassium voltage-gated channel subfamily Q member 2; minus strand). Cytogenetic location: 20q13.33.
Variant type: Microsatellite.
Coding change: c.1228CCG[1] on transcript NM_172107.4 (MANE Select); one copy of the 3-base unit CCG starting at c.1228; the reference has two copies in a row; one copy, 3 bases deleted.
Protein change: p.Pro411del; deletes proline 411.
Molecular consequence: inframe deletion.
Genome position (GRCh38, 1-based): chr20:63,424,191-63,424,193, CGG deleted on the plus strand (CCG on the coding strand, the reverse complement: KCNQ2 is on the minus strand); deleting any 3 consecutive bases within chr20:63,424,191-63,424,196 gives the same sequence; the position shown is the placement nearest the transcript's 3' end. VCF-style (leftmost placement, unchanged base first): chr20-63424190-CCGG-C. GRCh37 (hg19) VCF-style: chr20-62055543-CCGG-C.
Other names: c.1228CCG[1], p.Pro411del (NM_172108.5, NM_001382235.1, NM_172106.3); c.1198CCG[1], p.Pro401del (NM_004518.6); short protein forms P411del, P401del.
Identifiers: ClinVar variation 369790 (VCV000369790.1), dbSNP rs1060499544, ClinGen allele CA16609699.